The following is an entry in ClinVar:

ClinVar aggregate classification (germline): Conflicting classifications of pathogenicity. Review status: criteria provided, conflicting classifications (1 of 4 stars). 2 submissions from 2 submitters: Uncertain significance (1); Likely benign (1). Last evaluated 2026-06-16.

Conditions:
Hereditary diffuse gastric adenocarcinoma (HDGC). Also called: DIFFUSE GASTRIC AND LOBULAR BREAST CANCER SYNDROME. Identifiers: Orphanet 26106, MedGen C1708349, MONDO:0007648, OMIM 137215.
Hereditary cancer-predisposing syndrome. Also called: Tumor predisposition; Hereditary neoplastic syndrome; Neoplastic Syndromes, Hereditary; Hereditary Cancer Syndrome. Identifiers: Orphanet 140162, MedGen C0027672, MeSH D009386, MONDO:0015356.

Submissions (2):

Ambry Genetics
Classification: Likely benign for Hereditary cancer-predisposing syndrome. Last evaluated: 2026-06-16. Review status: criteria provided, single submitter. Criteria: Ambry Variant Classification Scheme 2023. Collection method: clinical testing. Allele origin: germline.

Labcorp Genetics (formerly Invitae), Labcorp
Classification: Uncertain significance for Hereditary diffuse gastric adenocarcinoma. Last evaluated: 2022-12-15. Review status: criteria provided, single submitter. Criteria: Invitae Variant Classification Sherloc (09022015). Collection method: clinical testing. Allele origin: germline.
Comment: In summary, the available evidence is currently insufficient to determine the role of this variant in disease. Therefore, it has been classified as a Variant of Uncertain Significance. Algorithms developed to predict the effect of missense changes on protein structure and function (SIFT, PolyPhen-2, Align-GVGD) all suggest that this variant is likely to be tolerated. ClinVar contains an entry for this variant (Variation ID: 1716145). This variant has not been reported in the literature in individuals affected with CDH1-related conditions. This variant is not present in population databases (gnomAD no frequency). This sequence change replaces aspartic acid, which is acidic and polar, with valine, which is neutral and non-polar, at codon 313 of the CDH1 protein (p.Asp313Val).

NM_004360.5(CDH1):c.938A>T (p.Asp313Val)

Gene: CDH1 (cadherin 1; plus strand). Cytogenetic location: 16q22.1.
Variant type: single nucleotide variant.
Coding change: c.938A>T on transcript NM_004360.5 (MANE Select); coding-DNA position 938, A replaced by T.
Protein change: p.Asp313Val; replaces aspartic acid 313 with valine.
Molecular consequence: missense variant. On other transcripts: 5 prime UTR variant (2).
Genome position (GRCh38, 1-based): chr16:68,811,789, A>T. VCF-style: chr16-68811789-A-T. GRCh37 (hg19) VCF-style: chr16-68845692-A-T.
Other names: c.938A>T, p.Asp313Val (NM_001317184.2); c.-678A>T (NM_001317185.2); c.-882A>T (NM_001317186.2); short protein forms D313V.
Identifiers: ClinVar variation 1716145 (VCV001716145.8), dbSNP rs2152132061, ClinGen allele CA396459758.